The following is an entry in ClinVar:

ClinVar aggregate classification (germline): Likely benign. Review status: criteria provided, multiple submitters, no conflicts (2 of 4 stars). 3 submissions from 3 submitters: Likely benign (3). Last evaluated 2026-05-01.

Allele frequency attached by ClinVar (database versions not stated): gnomAD 0.00013; TOPMed 0.00018; 1000 Genomes Project 0.00020; 1000 Genomes Project 30x 0.00031; ESP Exome Variant Server 0.00031.
gnomAD v4.1: 39 of 1,613,880 alleles (0.0024%); highest among the groups gnomAD compares: African/African-American, 0.052%; no homozygotes.

Submissions (3):

CeGaT Center for Human Genetics Tuebingen
Classification: Likely benign. Last evaluated: 2026-05-01. Review status: criteria provided, single submitter. Criteria: CeGaT Center For Human Genetics Tuebingen Variant Classification Criteria Version 2. Collection method: clinical testing. Allele origin: germline. Affected: yes. Observed: 1 variant allele.
Comment: WHRN: BP4, BP7

Labcorp Genetics (formerly Invitae), Labcorp
Classification: Likely benign. Last evaluated: 2025-12-24. Review status: criteria provided, single submitter. Criteria: Invitae Variant Classification Sherloc (09022015). Collection method: clinical testing. Allele origin: germline.

Blueprint Genetics
Classification: Likely benign. Last evaluated: 2022-09-30. Review status: criteria provided, single submitter. Criteria: ACMG Guidelines, 2015. Collection method: clinical testing. Allele origin: germline.

NM_015404.4(WHRN):c.1620G>T (p.Ser540=)

Gene: WHRN (whirlin; minus strand). Cytogenetic location: 9q32.
Variant type: single nucleotide variant.
Coding change: c.1620G>T on transcript NM_015404.4 (MANE Select); coding-DNA position 1620, G replaced by T.
Protein change: p.Ser540=; no amino-acid change (serine 540 retained).
Molecular consequence: synonymous variant.
Genome position (GRCh38, 1-based): chr9:114,423,320, C>A on the plus strand (G>T on the coding strand, the complement: WHRN is on the minus strand). VCF-style: chr9-114423320-C-A. GRCh37 (hg19) VCF-style: chr9-117185600-C-A.
Other names: c.471G>T, p.Ser157= (NM_001083885.3); c.1620G>T, p.Ser540= (NM_001173425.2); c.567G>T, p.Ser189= (NM_001346890.1).
Identifiers: ClinVar variation 742066 (VCV000742066.12), dbSNP rs142855585, ClinGen allele CA5205891.
Genomic context (GRCh38, chr9:114,423,320, plus strand): 5'-GCATCTTAACTCTGCCCTGGCTACTAAGCCAGGGACAAGGCAGAAGAAGCTCACCCTGGC[C>A]GAGCTGACGGTGGTGGAGGTGCCGTGGCTGCCTGTGGATGAACCCGTGTCACTGTAGGAG-3'
Protein context (NP_056219.3, residues 530-550): GSHGTSTTVS[Ser540=]ARNTLDLEET